The following is an entry in ClinVar:

NM_000038.6(APC):c.4772C>T (p.Ala1591Val)

Gene: APC (APC regulator of Wnt signaling pathway; plus strand). Cytogenetic location: 5q22.2.
Variant type: single nucleotide variant.
Coding change: c.4772C>T on transcript NM_000038.6 (MANE Select); coding-DNA position 4772, C replaced by T.
Protein change: p.Ala1591Val; replaces alanine 1591 with valine.
Molecular consequence: missense variant. On other transcripts: non-coding transcript variant (2).
Genome position (GRCh38, 1-based): chr5:112,840,366, C>T. VCF-style: chr5-112840366-C-T. GRCh37 (hg19) VCF-style: chr5-112176063-C-T.
Other names: c.4772C>T, p.Ala1591Val (NM_001127510.3, NM_001354895.2, NM_001407450.1); c.4718C>T, p.Ala1573Val (NM_001127511.3); c.4826C>T, p.Ala1609Val (NM_001354896.2, NM_001407447.1, NM_001407448.1 and 1 more transcripts); c.4802C>T, p.Ala1601Val (NM_001354897.2); c.4697C>T, p.Ala1566Val (NM_001354898.2); c.4688C>T, p.Ala1563Val (NM_001354899.2); c.4649C>T, p.Ala1550Val (NM_001354900.2); c.4595C>T, p.Ala1532Val (NM_001354901.2, NM_001407453.1); and 11 more; short protein forms A1207V, A1308V, A1431V, A1462V, A1465V, A1490V, A1500V, A1508V.
Identifiers: ClinVar variation 3230549 (VCV003230549.1), dbSNP rs1580652396, ClinGen allele CA16031793.

ClinVar aggregate classification (germline): Uncertain significance (1 of 4 stars; one submission).

Conditions:
Hereditary cancer-predisposing syndrome. Also called: Neoplastic Syndromes, Hereditary; Tumor predisposition; Hereditary neoplastic syndrome; Hereditary Cancer Syndrome. Identifiers: Orphanet 140162, MedGen C0027672, MeSH D009386, MONDO:0015356.

Submission:

Ambry Genetics
Classification: Uncertain significance for Hereditary cancer-predisposing syndrome. Last evaluated: 2024-03-12. Review status: criteria provided, single submitter. Criteria: Ambry Variant Classification Scheme 2023. Collection method: clinical testing. Allele origin: germline.
Comment: The p.A1591V variant (also known as c.4772C>T), located in coding exon 15 of the APC gene, results from a C to T substitution at nucleotide position 4772. The alanine at codon 1591 is replaced by valine, an amino acid with similar properties. This amino acid position is conserved. In addition, in silico predictors for this gene do not accurately predict pathogenicity. Based on the available evidence, the clinical significance of this alteration remains unclear.